The following is an entry in ClinVar:

NM_001007553.3(CSDE1):c.2147A>G (p.Glu716Gly)

Gene: CSDE1 (cold shock domain containing E1; minus strand). Cytogenetic location: 1p13.2.
Variant type: single nucleotide variant.
Coding change: c.2147A>G on transcript NM_001007553.3 (MANE Select); coding-DNA position 2147, A replaced by G.
Protein change: p.Glu716Gly; replaces glutamic acid 716 with glycine.
Molecular consequence: missense variant.
Genome position (GRCh38, 1-based): chr1:114,719,648, T>C on the plus strand (A>G on the coding strand, the complement: CSDE1 is on the minus strand). VCF-style: chr1-114719648-T-C. GRCh37 (hg19) VCF-style: chr1-115262269-T-C.
Other names: c.2147A>G, p.Glu716Gly (NM_001242892.2); c.2054A>G, p.Glu685Gly (NM_001242893.2, NM_007158.6); c.2192A>G, p.Glu731Gly (NM_001130523.3); c.2285A>G, p.Glu762Gly (NM_001242891.2); short protein forms E685G, E716G, E731G, E762G.
Identifiers: ClinVar variation 2579490 (VCV002579490.2), dbSNP rs2526482783, ClinGen allele CA341747465.
Genomic context (GRCh38, chr1:114,719,648, plus strand): 5'-CAAACATTACAGGCGCTGCACTTGCCAGTGCGCTGATTAAGAATCACTGAGAACTCCACC[T>C]CATCTCCTGCCTGTAGCTCAATGCCATCCTGAACTTCTTTCACATGGAAAAAGAGCTTCT-3'
Protein context (NP_001007554.1, residues 706-726): QDGIELQAGD[Glu716Gly]VEFSVILNQR

ClinVar aggregate classification (germline): Uncertain significance (1 of 4 stars; one submission).

Submission:

GeneDx
Classification: Uncertain significance. Last evaluated: 2026-01-22. Review status: criteria provided, single submitter. Criteria: GeneDx Variant Classification Process June 2021. Collection method: clinical testing. Allele origin: germline. Affected: yes.
Comment: Has not been previously published as pathogenic or benign to our knowledge; Not observed at significant frequency in large population cohorts (gnomAD); In silico analysis supports that this missense variant has a deleterious effect on protein structure/function